The following is an entry in ClinVar:

NM_000475.5(NR0B1):c.1319A>G (p.Asn440Ser)

Gene: NR0B1 (nuclear receptor subfamily 0 group B member 1; minus strand). Cytogenetic location: Xp21.2.
Variant type: single nucleotide variant.
Coding change: c.1319A>G on transcript NM_000475.5 (MANE Select); coding-DNA position 1319, A replaced by G.
Protein change: p.Asn440Ser; replaces asparagine 440 with serine.
Molecular consequence: missense variant.
Genome position (GRCh38, 1-based): chrX:30,304,673, T>C on the plus strand (A>G on the coding strand, the complement: NR0B1 is on the minus strand). VCF-style: chrX-30304673-T-C. GRCh37 (hg19) VCF-style: chrX-30322790-T-C.
Other names: short protein forms N440S.
Identifiers: ClinVar variation 3385083 (VCV003385083.1).
Genomic context (GRCh38, chrX:30,304,673, plus strand): 5'-TCATCCATGCTGACTGTGCCGATGATGGGCCTGAAGAACAGTTCAGCAATGACATTGGCA[T>C]TGATGAATCTCAGCAGGAAAAGGGTACTATTAAGTTCGATGAATCTGTCATGGGGCCCTT-3'
Protein context (NP_000466.2, residues 430-450): NSTLFLLRFI[Asn440Ser]ANVIAELFFR

ClinVar aggregate classification (germline): Uncertain significance (1 of 4 stars; one submission).

Submission:

Women's Health and Genetics/Laboratory Corporation of America, LabCorp
Classification: Uncertain significance. Last evaluated: 2024-10-25. Review status: criteria provided, single submitter. Criteria: LabCorp Variant Classification Summary - May 2015. Collection method: clinical testing. Allele origin: germline.
Comment: Variant summary: NR0B1 c.1319A>G (p.Asn440Ser) results in a conservative amino acid change located in the Nuclear hormone receptor, ligand-binding domain (IPR000536) of the encoded protein sequence. Four of five in-silico tools predict a benign effect of the variant on protein function. The variant allele was found at a frequency of 5.4e-06 in 183517 control chromosomes. The available data on variant occurrences in the general population are insufficient to allow any conclusion about variant significance. To our knowledge, no occurrence of c.1319A>G in individuals affected with X-Linked Adrenal Hypoplasia Congenita and no experimental evidence demonstrating its impact on protein function have been reported. No submitters have cited clinical-significance assessments for this variant to ClinVar. Based on the evidence outlined above, the variant was classified as uncertain significance.